The following is an entry in ClinVar:

NM_001035.3(RYR2):c.377G>T (p.Ser126Ile)

Gene: RYR2 (ryanodine receptor 2; plus strand). Cytogenetic location: 1q43.
Variant type: single nucleotide variant.
Coding change: c.377G>T on transcript NM_001035.3 (MANE Select); coding-DNA position 377, G replaced by T.
Protein change: p.Ser126Ile; replaces serine 126 with isoleucine.
Molecular consequence: missense variant.
Genome position (GRCh38, 1-based): chr1:237,369,601, G>T. VCF-style: chr1-237369601-G-T. GRCh37 (hg19) VCF-style: chr1-237532901-G-T.
Other names: short protein forms S126I.
Identifiers: ClinVar variation 1331765 (VCV001331765.2), dbSNP rs2149755711, ClinGen allele CA345655050.
Genomic context (GRCh38, chr1:237,369,601, plus strand): 5'-AAGGTGGTGGTCATCGAACACTCCTCTACGGACATGCCATATTGCTGCGCCATTCCTATA[G>T]TGGCATGGTGAGTAGGCATTTGATTTCATCTCCCTGTGGTCATGCTGATCCATTTGGGGG-3'
Protein context (NP_001026.2, residues 116-136): GHAILLRHSY[Ser126Ile]GMYLCCLSTS

ClinVar aggregate classification (germline): Uncertain significance (1 of 4 stars; one submission).

Conditions:
Cardiomyopathy (CMYO). Also called: Cardiomyopathies. Identifiers: Orphanet 167848, MedGen C0878544, MONDO:0004994, HP:0001638. Inheritance: Various modes of inheritance.

Submission:

Color Diagnostics, LLC DBA Color Health
Classification: Uncertain significance for Cardiomyopathy. Last evaluated: 2021-07-27. Review status: criteria provided, single submitter. Criteria: ACMG Guidelines, 2015. Collection method: clinical testing. Allele origin: germline.
Comment: This missense variant replaces serine with isoleucine at codon 126 of the RYR2 protein. Computational prediction suggests that this variant may have deleterious impact on protein structure and function (internally defined REVEL score threshold >= 0.7, PMID: 27666373). To our knowledge, functional studies have not been reported for this variant. This variant has not been reported in individuals affected with cardiovascular disorders in the literature. This variant has not been identified in the general population by the Genome Aggregation Database (gnomAD). The available evidence is insufficient to determine the role of this variant in disease conclusively. Therefore, this variant is classified as a Variant of Uncertain Significance.